The following is an entry in ClinVar:

NM_001329943.3(KIAA0586):c.3526A>G (p.Ile1176Val)

Gene: KIAA0586 (KIAA0586; plus strand). Cytogenetic location: 14q23.1.
Variant type: single nucleotide variant.
Coding change: c.3526A>G on transcript NM_001329943.3 (MANE Select); coding-DNA position 3526, A replaced by G.
Protein change: p.Ile1176Val; replaces isoleucine 1176 with valine.
Molecular consequence: missense variant.
Genome position (GRCh38, 1-based): chr14:58,488,108, A>G. VCF-style: chr14-58488108-A-G. GRCh37 (hg19) VCF-style: chr14-58954826-A-G.
Other names: c.3685A>G, p.Ile1229Val (NM_001244189.2); c.3481A>G, p.Ile1161Val (NM_001244190.2); c.3271A>G, p.Ile1091Val (NM_001244191.2, NM_001329945.2, NM_001364700.1 and 1 more transcripts); c.3394A>G, p.Ile1132Val (NM_001244192.2); c.3106A>G, p.Ile1036Val (NM_001244193.2); c.3526A>G, p.Ile1176Val (NM_001329944.2, NM_001329946.2, NM_001329947.2); c.3298A>G, p.Ile1100Val (NM_014749.5); short protein forms I1036V, I1091V, I1132V, I1229V, I1100V, I1161V, I1176V.
Identifiers: ClinVar variation 1390916 (VCV001390916.5), dbSNP rs777965178, ClinGen allele CA7206173.

ClinVar aggregate classification (germline): Uncertain significance (1 of 4 stars; one submission).

Conditions:
Joubert syndrome 23 (JBTS23). Identifiers: Orphanet 475, MedGen C4084822, MONDO:0014664, OMIM 616490.
Short-rib thoracic dysplasia 14 with polydactyly (SRTD14). Identifiers: Orphanet 397715, MedGen C4225286, MONDO:0014688, OMIM 616546.

Allele frequency attached by ClinVar (database versions not stated): gnomAD exomes 0.00002 and 0.00003; ExAC 0.00006.
gnomAD v4.1: 29 of 1,585,062 alleles (0.0018%); highest among the groups gnomAD compares: South Asian, 0.025%; 1 homozygote.

Submission:

Labcorp Genetics (formerly Invitae), Labcorp
Classification: Uncertain significance for Joubert syndrome 23; Short-rib thoracic dysplasia 14 with polydactyly. Last evaluated: 2022-06-22. Review status: criteria provided, single submitter. Criteria: Invitae Variant Classification Sherloc (09022015). Collection method: clinical testing. Allele origin: germline.
Comment: This variant has not been reported in the literature in individuals affected with KIAA0586-related conditions. This sequence change replaces isoleucine, which is neutral and non-polar, with valine, which is neutral and non-polar, at codon 1229 of the KIAA0586 protein (p.Ile1229Val). This variant is present in population databases (rs777965178, gnomAD 0.02%). Algorithms developed to predict the effect of missense changes on protein structure and function output the following: SIFT: "Tolerated"; PolyPhen-2: "Benign"; Align-GVGD: "Class C0". The valine amino acid residue is found in multiple mammalian species, which suggests that this missense change does not adversely affect protein function. In summary, the available evidence is currently insufficient to determine the role of this variant in disease. Therefore, it has been classified as a Variant of Uncertain Significance.